The following is an entry in ClinVar:

NM_001920.5(DCN):c.54G>A (p.Pro18=)

Gene: DCN (decorin; minus strand). Cytogenetic location: 12q21.33.
Variant type: single nucleotide variant.
Coding change: c.54G>A on transcript NM_001920.5 (MANE Select); coding-DNA position 54, G replaced by A.
Protein change: p.Pro18=; no amino-acid change (proline 18 retained).
Molecular consequence: synonymous variant.
Genome position (GRCh38, 1-based): chr12:91,178,499, C>T on the plus strand (G>A on the coding strand, the complement: DCN is on the minus strand). VCF-style: chr12-91178499-C-T. GRCh37 (hg19) VCF-style: chr12-91572276-C-T.
Other names: c.54G>A, p.Pro18= (NM_133503.4, NM_133504.3, NM_133505.3 and 2 more transcripts).
Identifiers: ClinVar variation 310662 (VCV000310662.10), dbSNP rs145597441, ClinGen allele CA6717175.

ClinVar aggregate classification (germline): Benign/Likely benign. Review status: criteria provided, multiple submitters, no conflicts (2 of 4 stars). 3 submissions from 3 submitters: Benign (1); Likely benign (2). Last evaluated 2025-10-13.

Conditions:
Congenital stromal corneal dystrophy (CSCD). Identifiers: Orphanet 101068, MedGen C1864738, MONDO:0012401, OMIM 610048.

Allele frequency attached by ClinVar (database versions not stated): gnomAD 0.00029 and 0.00034; ESP Exome Variant Server 0.00046; ExAC 0.00052; 1000 Genomes Project 0.00060; TOPMed 0.00040; 1000 Genomes Project 30x 0.00078.
gnomAD v4.1: 537 of 1,613,706 alleles (0.033%); highest among the groups gnomAD compares: Middle Eastern, 0.2%; 2 homozygotes.

Submissions (3):

Labcorp Genetics (formerly Invitae), Labcorp
Classification: Benign. Last evaluated: 2025-10-13. Review status: criteria provided, single submitter. Criteria: Invitae Variant Classification Sherloc (09022015). Collection method: clinical testing. Allele origin: germline.

Illumina Laboratory Services, Illumina
Classification: Likely benign for Congenital stromal corneal dystrophy. Last evaluated: 2017-04-27. Review status: criteria provided, single submitter. Criteria: ICSL Variant Classification Criteria 13 December 2019. Collection method: clinical testing. Allele origin: germline.
Comment: This variant was observed as part of a predisposition screen in an ostensibly healthy population. A literature search was performed for the gene, cDNA change, and amino acid change (where applicable). No publications were found based on this search. Allele frequency data from public databases allowed determination this variant is unlikely to cause disease. Therefore, this variant is classified as likely benign.

Breakthrough Genomics
Classification: Likely benign. Review status: criteria provided, single submitter. Criteria: ACMG Guidelines, 2015. Collection method: not provided. Allele origin: germline. Inheritance: Autosomal dominant inheritance. Affected: yes.